The following is an entry in ClinVar:

NM_001048174.2(MUTYH):c.459T>G (p.Ser153=)

Gene: MUTYH (mutY DNA glycosylase; minus strand). Cytogenetic location: 1p34.1.
Variant type: single nucleotide variant.
Coding change: c.459T>G on transcript NM_001048174.2 (MANE Select); coding-DNA position 459, T replaced by G.
Protein change: p.Ser153=; no amino-acid change (serine 153 retained).
Molecular consequence: synonymous variant. On other transcripts: non-coding transcript variant (7).
Genome position (GRCh38, 1-based): chr1:45,332,796, A>C on the plus strand (T>G on the coding strand, the complement: MUTYH is on the minus strand). VCF-style: chr1-45332796-A-C. GRCh37 (hg19) VCF-style: chr1-45798468-A-C.
Other names: c.459T>G, p.Ser153= (NM_001048171.2, NM_001048173.2, NM_001293195.2 and 6 more transcripts); c.462T>G, p.Ser154= (NM_001048172.2, NM_001407071.1, NM_001407078.1 and 1 more transcripts); c.543T>G, p.Ser181= (NM_001128425.2); c.504T>G, p.Ser168= (NM_001293190.2); c.492T>G, p.Ser164= (NM_001293191.2, NM_001407069.1, NM_001407077.1); c.183T>G, p.Ser61= (NM_001293192.2, NM_001293196.2, NM_001407091.1); c.114T>G, p.Ser38= (NM_001350650.2, NM_001350651.2, NM_001407082.1); c.375T>G, p.Ser125= (NM_001407075.1); and 5 more.
Identifiers: ClinVar variation 2630352 (VCV002630352.1), dbSNP rs1553128898, ClinGen allele CA340135678.

ClinVar aggregate classification (germline): Uncertain significance (1 of 4 stars; one submission).

Conditions:
MUTYH-related disorder. Also called: MUTYH-related condition; MUTYH-related disorders.

Submission:

PreventionGenetics, part of Exact Sciences
Classification: Uncertain significance for MUTYH-related condition. Last evaluated: 2023-01-27. Review status: criteria provided, single submitter. Criteria: ACMG Guidelines, 2015. Collection method: clinical testing. Allele origin: germline.
Comment: The MUTYH c.543T>G variant is not predicted to result in an amino acid change (p.=). To our knowledge, this variant has not been reported in the literature or in a large population database, indicating this variant is rare. This variant is not predicted to affect splicing, according to available splicing in silico algorithms (Alamut Visual Plus v1.6.1). At this time, the clinical significance of this variant is uncertain due to the absence of conclusive functional and genetic evidence.